The following is an entry in ClinVar:

ClinVar aggregate classification (germline): Likely benign. Review status: criteria provided, multiple submitters, no conflicts (2 of 4 stars). 3 submissions from 3 submitters: Likely benign (3). Last evaluated 2025-10-06.

Conditions:
DYRK1A-related intellectual disability syndrome (MRD7). Also called: DYRK1A Syndrome; Intellectual developmental disorder, autosomal dominant 7. Identifiers: Orphanet 464306, MedGen C5568143, MONDO:0013578, OMIM 614104.

Allele frequency attached by ClinVar (database versions not stated): gnomAD 0.00005; ESP Exome Variant Server 0.00008; TOPMed 0.00009; ExAC 0.00014; gnomAD exomes 0.00014.
gnomAD v4.1: 203 of 1,613,942 alleles (0.013%); highest among the groups gnomAD compares: East Asian, 0.053%; no homozygotes.

Submissions (3):

Labcorp Genetics (formerly Invitae), Labcorp
Classification: Likely benign for DYRK1A-related intellectual disability syndrome. Last evaluated: 2025-10-06. Review status: criteria provided, single submitter. Criteria: Invitae Variant Classification Sherloc (09022015). Collection method: clinical testing. Allele origin: germline.

CeGaT Center for Human Genetics Tuebingen
Classification: Likely benign. Last evaluated: 2025-09-01. Review status: criteria provided, single submitter. Criteria: CeGaT Center For Human Genetics Tuebingen Variant Classification Criteria Version 2. Collection method: clinical testing. Allele origin: germline. Affected: yes. Observed: 2 variant alleles.
Comment: DYRK1A: BS2

GeneDx
Classification: Likely benign. Last evaluated: 2021-04-12. Review status: criteria provided, single submitter. Criteria: GeneDx Variant Classification Process June 2021. Collection method: clinical testing. Allele origin: germline. Affected: yes.

NM_001347721.2(DYRK1A):c.1568C>T (p.Thr523Met)

Gene: DYRK1A (dual specificity tyrosine phosphorylation regulated kinase 1A; plus strand). Cytogenetic location: 21q22.13.
Variant type: single nucleotide variant.
Coding change: c.1568C>T on transcript NM_001347721.2 (MANE Select); coding-DNA position 1568, C replaced by T.
Protein change: p.Thr523Met; replaces threonine 523 with methionine.
Molecular consequence: missense variant. On other transcripts: intron variant (1).
Genome position (GRCh38, 1-based): chr21:37,506,147, C>T. VCF-style: chr21-37506147-C-T. GRCh37 (hg19) VCF-style: chr21-38878450-C-T.
Other names: c.1568C>T, p.Thr523Met (NM_001347722.2, NM_130436.2); c.1481C>T, p.Thr494Met (NM_001347723.2); c.1595C>T, p.Thr532Met (NM_001396.5, NM_101395.2); c.1546+558C>T (NM_130438.2); short protein forms T532M, T523M, T494M.
Identifiers: ClinVar variation 539573 (VCV000539573.19), dbSNP rs148756105, ClinGen allele CA10024013.